The following is an entry in ClinVar:

NM_016026.4(RDH11):c.457C>G (p.His153Asp)

Genes: GPHN (gephyrin; plus strand), RDH11 (retinol dehydrogenase 11; minus strand). Cytogenetic location: 14q24.1.
Variant type: single nucleotide variant.
Coding change: c.457C>G on transcript NM_016026.4 (MANE Select); coding-DNA position 457, C replaced by G.
Protein change: p.His153Asp; replaces histidine 153 with aspartic acid.
Molecular consequence: missense variant. On other transcripts: intron variant (1).
Genome position (GRCh38, 1-based): chr14:67,690,419, G>C on the plus strand (C>G on the coding strand, the complement: RDH11 is on the minus strand). VCF-style: chr14-67690419-G-C. GRCh37 (hg19) VCF-style: chr14-68157136-G-C.
Other names: c.454+721C>G (NM_001252650.2); short protein forms H153D.
Identifiers: ClinVar variation 1460664 (VCV001460664.8), dbSNP rs2037734546, ClinGen allele CA390134028.

ClinVar aggregate classification (germline): Uncertain significance (1 of 4 stars; one submission).

Allele frequency attached by ClinVar (database versions not stated): gnomAD exomes below 0.00001; TOPMed below 0.00001.
gnomAD v4.1: 2 of 1,613,706 alleles (0.00012%); highest among the groups gnomAD compares: Non-Finnish European, 0.00017%; no homozygotes.

Submission:

Labcorp Genetics (formerly Invitae), Labcorp
Classification: Uncertain significance. Last evaluated: 2024-07-20. Review status: criteria provided, single submitter. Criteria: Invitae Variant Classification Sherloc (09022015). Collection method: clinical testing. Allele origin: germline.
Comment: This sequence change replaces histidine, which is basic and polar, with aspartic acid, which is acidic and polar, at codon 153 of the RDH11 protein (p.His153Asp). This variant is not present in population databases (gnomAD no frequency). This variant has not been reported in the literature in individuals affected with RDH11-related conditions. ClinVar contains an entry for this variant (Variation ID: 1460664). An algorithm developed to predict the effect of missense changes on protein structure and function (PolyPhen-2) suggests that this variant is likely to be disruptive. In summary, the available evidence is currently insufficient to determine the role of this variant in disease. Therefore, it has been classified as a Variant of Uncertain Significance.